The following is an entry in ClinVar:

ClinVar aggregate classification (germline): Uncertain significance (1 of 4 stars; one submission).

Submission:

CeGaT Center for Human Genetics Tuebingen
Classification: Uncertain significance. Last evaluated: 2025-06-01. Review status: criteria provided, single submitter. Criteria: CeGaT Center For Human Genetics Tuebingen Variant Classification Criteria Version 2. Collection method: clinical testing. Allele origin: germline. Affected: yes. Observed: 1 variant allele.
Comment: EGR2: PM2

NM_000399.5(EGR2):c.51T>G (p.Phe17Leu)

Gene: EGR2 (early growth response 2; minus strand). Cytogenetic location: 10q21.3.
Variant type: single nucleotide variant.
Coding change: c.51T>G on transcript NM_000399.5 (MANE Select); coding-DNA position 51, T replaced by G.
Protein change: p.Phe17Leu; replaces phenylalanine 17 with leucine.
Molecular consequence: missense variant. On other transcripts: intron variant (3).
Genome position (GRCh38, 1-based): chr10:62,815,979, A>C on the plus strand (T>G on the coding strand, the complement: EGR2 is on the minus strand). VCF-style: chr10-62815979-A-C. GRCh37 (hg19) VCF-style: chr10-64575739-A-C.
Other names: c.51T>G, p.Phe17Leu (NM_001136177.3, NM_001136178.2); c.100-10T>G (NM_001410931.1); c.-90-10T>G (NM_001321037.2, NM_001136179.3); short protein forms F17L.
Identifiers: ClinVar variation 3906031 (VCV003906031.10).
Genomic context (GRCh38, chr10:62,815,979, plus strand): 5'-GGTCACCGACGTGGCGGCGAGGTCCTCCACCGGGTAGATGTTGTCAGACAGCTGGTGCAC[A>C]AAACCACTGAGAGTTACTGGGATTTTGTCTACGGCCTTGGCGGTCATCATTTGCTCCTCG-3'
Protein context (NP_000390.2, residues 7-27): VDKIPVTLSG[Phe17Leu]VHQLSDNIYP